The following is an entry in ClinVar:

NM_001004334.4(GPR179):c.3032G>T (p.Gly1011Val)

Gene: GPR179 (G protein-coupled receptor 179; minus strand). Cytogenetic location: 17q12.
Variant type: single nucleotide variant.
Coding change: c.3032G>T on transcript NM_001004334.4 (MANE Select); coding-DNA position 3032, G replaced by T.
Protein change: p.Gly1011Val; replaces glycine 1011 with valine.
Molecular consequence: missense variant.
Genome position (GRCh38, 1-based): chr17:38,330,537, C>A on the plus strand (G>T on the coding strand, the complement: GPR179 is on the minus strand). VCF-style: chr17-38330537-C-A. GRCh37 (hg19) VCF-style: chr17-36486420-C-A.
Other names: short protein forms G1011V.
Identifiers: ClinVar variation 1954225 (VCV001954225.5), dbSNP rs768935951, ClinGen allele CA398880803.

ClinVar aggregate classification (germline): Uncertain significance (1 of 4 stars; one submission).

Submission:

Labcorp Genetics (formerly Invitae), Labcorp
Classification: Uncertain significance. Last evaluated: 2022-06-23. Review status: criteria provided, single submitter. Criteria: Invitae Variant Classification Sherloc (09022015). Collection method: clinical testing. Allele origin: germline.
Comment: In summary, the available evidence is currently insufficient to determine the role of this variant in disease. Therefore, it has been classified as a Variant of Uncertain Significance. Algorithms developed to predict the effect of missense changes on protein structure and function output the following: SIFT: "Tolerated"; PolyPhen-2: "Benign"; Align-GVGD: "Class C0". The valine amino acid residue is found in multiple mammalian species, which suggests that this missense change does not adversely affect protein function. This variant has not been reported in the literature in individuals affected with GPR179-related conditions. This variant is not present in population databases (gnomAD no frequency). This sequence change replaces glycine, which is neutral and non-polar, with valine, which is neutral and non-polar, at codon 1011 of the GPR179 protein (p.Gly1011Val).